The following is an entry in ClinVar:

ClinVar aggregate classification (germline): Uncertain significance. Review status: criteria provided, multiple submitters, no conflicts (2 of 4 stars). 2 submissions from 2 submitters: Uncertain significance (2). Last evaluated 2025-11-25.

Allele frequency attached by ClinVar (database versions not stated): ExAC 0.00001; gnomAD 0.00001; gnomAD exomes 0.00001 and 0.00003; TOPMed 0.00003.

Submissions (2):

Labcorp Genetics (formerly Invitae), Labcorp
Classification: Uncertain significance. Last evaluated: 2025-11-25. Review status: criteria provided, single submitter. Criteria: Invitae Variant Classification Sherloc (09022015). Collection method: clinical testing. Allele origin: germline.
Comment: This sequence change replaces proline, which is neutral and non-polar, with leucine, which is neutral and non-polar, at codon 201 of the WBP2 protein (p.Pro201Leu). This variant is present in population databases (rs757934287, gnomAD 0.009%). This variant has not been reported in the literature in individuals affected with WBP2-related conditions. ClinVar contains an entry for this variant (Variation ID: 1390325). Invitae Evidence Modeling of protein sequence and biophysical properties (such as structural, functional, and spatial information, amino acid conservation, physicochemical variation, residue mobility, and thermodynamic stability) has been performed for this missense variant. However, the output from this modeling did not meet the statistical confidence thresholds required to predict the impact of this variant on WBP2 protein function. In summary, the available evidence is currently insufficient to determine the role of this variant in disease. Therefore, it has been classified as a Variant of Uncertain Significance.

Ambry Genetics
Classification: Uncertain significance. Last evaluated: 2025-11-13. Review status: criteria provided, single submitter. Criteria: Ambry Variant Classification Scheme 2023. Collection method: clinical testing. Allele origin: germline.

NM_012478.4(WBP2):c.602C>T (p.Pro201Leu)

Gene: WBP2 (WW domain binding protein 2; minus strand). Cytogenetic location: 17q25.1.
Variant type: single nucleotide variant.
Coding change: c.602C>T on transcript NM_012478.4 (MANE Select); coding-DNA position 602, C replaced by T.
Protein change: p.Pro201Leu; replaces proline 201 with leucine.
Molecular consequence: missense variant.
Genome position (GRCh38, 1-based): chr17:75,847,540, G>A on the plus strand (C>T on the coding strand, the complement: WBP2 is on the minus strand). VCF-style: chr17-75847540-G-A. GRCh37 (hg19) VCF-style: chr17-73843621-G-A.
Other names: c.467C>T, p.Pro156Leu (NM_001330499.2); c.602C>T, p.Pro201Leu (NM_001348170.1); c.602C>T (NM_012478.3); short protein forms P156L, P201L.
Identifiers: ClinVar variation 1390325 (VCV001390325.9), dbSNP rs757934287, ClinGen allele CA8773840.